The following is an entry in ClinVar:

ClinVar aggregate classification (germline): Benign. Review status: criteria provided, multiple submitters, no conflicts (2 of 4 stars). 4 submissions from 3 submitters: Benign (4). Last evaluated 2021-07-01.

Conditions:
Muscular dystrophy-dystroglycanopathy (congenital with brain and eye anomalies), type A3. Also called: Congenital muscular dystrophy-dystroglycanopathy with brain and eye anomalies, type A3; WALKER-WARBURG SYNDROME OR MUSCLE-EYE-BRAIN DISEASE, POMGNT1-RELATED; Muscular dystrophy-dystroglycanopathy (congenital with brain and eye anomalies), type A, 3. Identifiers: MedGen C3151519, MONDO:0009667, OMIM 253280.
Retinitis pigmentosa 76 (RP76). Identifiers: MedGen C4310704, MONDO:0014929, OMIM 617123.

Allele frequency attached by ClinVar (database versions not stated): 1000 Genomes Project 0.33347; 1000 Genomes Project 30x 0.33463; TOPMed 0.34344; gnomAD 0.34786 and 0.34922; ESP Exome Variant Server 0.35326; gnomAD exomes 0.35491.
gnomAD v4.1: 567,297 of 1,603,404 alleles (35%); highest among the groups gnomAD compares: South Asian, 45%; 102,177 homozygotes.

Submissions (4):

Genome-Nilou Lab
Classification: Benign for Muscular dystrophy-dystroglycanopathy (congenital with brain and eye anomalies), type A3. Last evaluated: 2021-07-01. Review status: criteria provided, single submitter. Criteria: ACMG Guidelines, 2015. Collection method: clinical testing. Allele origin: germline. Affected: no.

Genome-Nilou Lab
Classification: Benign for Retinitis pigmentosa 76. Last evaluated: 2021-07-01. Review status: criteria provided, single submitter. Criteria: ACMG Guidelines, 2015. Collection method: clinical testing. Allele origin: germline. Affected: no.

GeneDx
Classification: Benign. Last evaluated: 2018-06-14. Review status: criteria provided, single submitter. Criteria: GeneDx Variant Classification (06012015). Collection method: clinical testing. Allele origin: germline. Affected: yes.
Comment: This variant is considered likely benign or benign based on one or more of the following criteria: it is a conservative change, it occurs at a poorly conserved position in the protein, it is predicted to be benign by multiple in silico algorithms, and/or has population frequency not consistent with disease.

Breakthrough Genomics
Classification: Benign. Review status: criteria provided, single submitter. Criteria: ACMG Guidelines, 2015. Collection method: not provided. Allele origin: germline. Inheritance: Autosomal recessive inheritance. Affected: yes.

NM_017739.4(POMGNT1):c.1212-66T>C

Genes: POMGNT1 (protein O-linked mannose N-acetylglucosaminyltransferase 1 (beta 1,2-); minus strand), TSPAN1 (tetraspanin 1; plus strand). Cytogenetic location: 1p34.1.
Variant type: single nucleotide variant.
Coding change: c.1212-66T>C on transcript NM_017739.4 (MANE Select); 66 bases into the intron before coding-DNA position 1212, T replaced by C.
Molecular consequence: intron variant.
Genome position (GRCh38, 1-based): chr1:46,192,656, A>G on the plus strand (T>C on the coding strand, the complement: POMGNT1 is on the minus strand). VCF-style: chr1-46192656-A-G. GRCh37 (hg19) VCF-style: chr1-46658328-A-G.
Other names: c.1212-66T>C (NM_001243766.2, NM_001438686.1, NM_001438688.1 and 3 more transcripts); c.1146-66T>C (NM_001290129.3, NM_001438691.1, NM_001438692.1); c.783-66T>C (NM_001290130.2).
Identifiers: ClinVar variation 671038 (VCV000671038.5), dbSNP rs2292484, ClinGen allele CA15067805.